The following is an entry in ClinVar:

ClinVar aggregate classification (germline): Uncertain significance (1 of 4 stars; one submission).

Conditions:
Hypertrophic cardiomyopathy. Also called: HYPERTROPHIC MYOCARDIOPATHY. Identifiers: Orphanet 217569, MedGen C0007194, MeSH D002312, MONDO:0005045, HP:0001639.

Submission:

Labcorp Genetics (formerly Invitae), Labcorp
Classification: Uncertain significance for Hypertrophic cardiomyopathy. Last evaluated: 2025-02-28. Review status: criteria provided, single submitter. Criteria: Invitae Variant Classification Sherloc (09022015). Collection method: clinical testing. Allele origin: germline.
Comment: This sequence change replaces cysteine, which is neutral and slightly polar, with arginine, which is basic and polar, at codon 1201 of the MYBPC3 protein (p.Cys1201Arg). This variant is not present in population databases (gnomAD no frequency). This variant has not been reported in the literature in individuals affected with MYBPC3-related conditions. An algorithm developed to predict the effect of missense changes on protein structure and function (PolyPhen-2) suggests that this variant is likely to be disruptive. In summary, the available evidence is currently insufficient to determine the role of this variant in disease. Therefore, it has been classified as a Variant of Uncertain Significance.

NM_000256.3(MYBPC3):c.3601T>C (p.Cys1201Arg)

Gene: MYBPC3 (myosin binding protein C3; minus strand). Cytogenetic location: 11p11.2.
Variant type: single nucleotide variant.
Coding change: c.3601T>C on transcript NM_000256.3 (MANE Select); coding-DNA position 3601, T replaced by C.
Protein change: p.Cys1201Arg; replaces cysteine 1201 with arginine.
Molecular consequence: missense variant.
Genome position (GRCh38, 1-based): chr11:47,332,592, A>G on the plus strand (T>C on the coding strand, the complement: MYBPC3 is on the minus strand). VCF-style: chr11-47332592-A-G. GRCh37 (hg19) VCF-style: chr11-47354143-A-G.
Other names: short protein forms C1201R.
Identifiers: ClinVar variation 4714124 (VCV004714124.1).
Genomic context (GRCh38, chr11:47,332,592, plus strand): 5'-TGGTCGGCCTGGACCAGCGCCTAAAGTTCCCTACCTTGGGGCTACCCCGGACAGCACAGC[A>G]GAGCATAGCAGTGTAGCCCGCGATGACCGAGCGGTTCACCAGGGGCTGGGTGAAGCTTGG-3'
Protein context (NP_000247.2, residues 1191-1211): SVIAGYTAML[Cys1201Arg]CAVRGSPKPK